The following is an entry in ClinVar:

ClinVar aggregate classification (germline): Benign. Review status: criteria provided, multiple submitters, no conflicts (2 of 4 stars). 12 submissions from 11 submitters: Benign (10). 2 of the submissions do not count toward it. Last evaluated 2026-02-04.

Conditions:
Hennekam lymphangiectasia-lymphedema syndrome 2 (HKLLS2). Identifiers: Orphanet 2136, MedGen C4014939, MONDO:0014454, OMIM 616006.
Van Maldergem syndrome 2 (VMLDS2). Identifiers: Orphanet 314679, MedGen C3809875, MONDO:0014242, OMIM 615546.

Allele frequency attached by ClinVar (database versions not stated): gnomAD 0.21721 and 0.22282; TOPMed 0.21994; ESP Exome Variant Server 0.22067; 1000 Genomes Project 30x 0.22798; 1000 Genomes Project 0.23063; ExAC 0.26733; gnomAD exomes 0.27180.
gnomAD v4.1: 450,754 of 1,613,874 alleles (28%); highest among the groups gnomAD compares: East Asian, 41%; 65,712 homozygotes.

Submissions (12):

Labcorp Genetics (formerly Invitae), Labcorp
Classification: Benign. Last evaluated: 2026-02-04. Review status: criteria provided, single submitter. Criteria: Invitae Variant Classification Sherloc (09022015). Collection method: clinical testing. Allele origin: germline.

Blueprint Genetics
Classification: Benign. Last evaluated: 2024-11-26. Review status: criteria provided, single submitter. Criteria: ACMG Guidelines, 2015. Collection method: clinical testing. Allele origin: germline.

Unidad de Genómica Garrahan, Hospital de Pediatría Garrahan
Classification: Benign. Last evaluated: 2024-01-24. Review status: criteria provided, single submitter. Criteria: ACMG Guidelines, 2015. Collection method: clinical testing. Allele origin: germline. Affected: no. Observed: 44 variant alleles.
Comment: This variant is classified as Benign based on local population frequency. This variant was detected in 46% of patients studied by a panel of primary immunodeficiencies. Number of patients: 44. Only high quality variants are reported.

Genome-Nilou Lab
Classification: Benign for Hennekam lymphangiectasia-lymphedema syndrome 2. Last evaluated: 2021-08-10. Review status: criteria provided, single submitter. Criteria: ACMG Guidelines, 2015. Collection method: clinical testing. Allele origin: germline. Affected: no.

Genome-Nilou Lab
Classification: Benign for Van Maldergem syndrome 2. Last evaluated: 2021-08-10. Review status: criteria provided, single submitter. Criteria: ACMG Guidelines, 2015. Collection method: clinical testing. Allele origin: germline. Affected: no.

Mayo Clinic Laboratories, Mayo Clinic
Classification: Benign. Last evaluated: 2021-04-07. Review status: criteria provided, single submitter. Criteria: ACMG Guidelines, 2015. Collection method: clinical testing. Allele origin: germline. Observed: 2 variant alleles.

Mendelics
Classification: Benign for Van Maldergem syndrome 2. Last evaluated: 2019-05-28. Review status: criteria provided, single submitter. Criteria: Mendelics Assertion Criteria 2017. Collection method: clinical testing. Allele origin: unknown.

Laboratory for Molecular Medicine, Mass General Brigham Personalized Medicine
Classification: Benign. Last evaluated: 2016-03-29. Review status: criteria provided, single submitter. Criteria: LMM Criteria. Collection method: clinical testing. Allele origin: germline.
Comment: Variant identified in a genome or exome case(s) and assessed due to predicted null impact of the variant or pathogenic assertions in the literature or databases. Disclaimer: This variant has not undergone full assessment. The following are preliminary notes: 27% of total chromosomes in ExAC

GeneDx
Classification: Benign. Last evaluated: 2016-01-27. Review status: criteria provided, single submitter. Criteria: GeneDx Variant Classification (06012015). Collection method: clinical testing. Allele origin: germline. Affected: yes.
Comment: This variant is considered likely benign or benign based on one or more of the following criteria: it is a conservative change, it occurs at a poorly conserved position in the protein, it is predicted to be benign by multiple in silico algorithms, and/or has population frequency not consistent with disease.

Breakthrough Genomics
Classification: Benign. Review status: criteria provided, single submitter. Criteria: ACMG Guidelines, 2015. Collection method: not provided. Allele origin: germline. Inheritance: Autosomal recessive inheritance. Affected: yes.

Clinical Genetics DNA and cytogenetics Diagnostics Lab, Erasmus MC, Erasmus Medical Center
Classification: Benign. Review status: no assertion criteria provided. Collection method: clinical testing. Allele origin: germline. Affected: yes. Study: VKGL Data-share Consensus. Not counted in ClinVar's aggregate classification.

Clinical Genetics, Academic Medical Center
Classification: Benign. Review status: no assertion criteria provided. Collection method: clinical testing. Allele origin: germline. Affected: yes. Study: VKGL Data-share Consensus. Not counted in ClinVar's aggregate classification.

NM_001291303.3(FAT4):c.10577G>A (p.Gly3526Asp)

Gene: FAT4 (FAT atypical cadherin 4; plus strand). Cytogenetic location: 4q28.1.
Variant type: single nucleotide variant.
Coding change: c.10577G>A on transcript NM_001291303.3 (MANE Select); coding-DNA position 10577, G replaced by A.
Protein change: p.Gly3526Asp; replaces glycine 3526 with aspartic acid.
Molecular consequence: missense variant.
Genome position (GRCh38, 1-based): chr4:125,451,587, G>A. VCF-style: chr4-125451587-G-A. GRCh37 (hg19) VCF-style: chr4-126372742-G-A.
Other names: c.10577G>A, p.Gly3526Asp (NM_001291285.3); c.10571G>A, p.Gly3524Asp (NM_024582.6); short protein forms G3524D, G3526D.
Identifiers: ClinVar variation 380813 (VCV000380813.21), dbSNP rs1567047, ClinGen allele CA3073706.